The following is an entry in ClinVar:

NM_000052.7(ATP7A):c.1082C>T (p.Ser361Leu)

Gene: ATP7A (ATPase copper transporting alpha; plus strand). Cytogenetic location: Xq21.1.
Variant type: single nucleotide variant.
Coding change: c.1082C>T on transcript NM_000052.7 (MANE Select); coding-DNA position 1082, C replaced by T.
Protein change: p.Ser361Leu; replaces serine 361 with leucine.
Molecular consequence: missense variant.
Genome position (GRCh38, 1-based): chrX:77,989,704, C>T. VCF-style: chrX-77989704-C-T. GRCh37 (hg19) VCF-style: chrX-77245200-C-T.
Other names: c.1082C>T, p.Ser361Leu (NM_001282224.2); short protein forms S361L.
Identifiers: ClinVar variation 425507 (VCV000425507.50), dbSNP rs782651571, ClinGen allele CA10458989.

ClinVar aggregate classification (germline): Conflicting classifications of pathogenicity. Review status: criteria provided, conflicting classifications (1 of 4 stars). 3 submissions from 3 submitters: Uncertain significance (2); Likely benign (1). Last evaluated 2025-11-10.

Conditions:
Cutis laxa, X-linked (OHS). Also called: EDS IX; Occipital horn syndrome. Identifiers: Orphanet 198, MedGen C0268353, MONDO:0010572, OMIM 304150.
X-linked distal spinal muscular atrophy type 3. Also called: NEURONOPATHY, DISTAL HEREDITARY MOTOR, X-LINKED; NEUROPATHY, DISTAL HEREDITARY MOTOR, X-LINKED; SPINAL MUSCULAR ATROPHY, DISTAL, X-LINKED RECESSIVE; ATP7A-Related Distal Motor Neuropathy. Identifiers: Orphanet 139557, MedGen C1845359, MONDO:0010338, OMIM 300489.
Menkes kinky-hair syndrome (MNK). Also called: Copper transport disease; Classic Menkes Disease; Menkes Disease. Identifiers: Orphanet 565, MedGen C0022716, MONDO:0010651, OMIM 309400.

Allele frequency attached by ClinVar (database versions not stated): gnomAD exomes 0.00001 and 0.00002; TOPMed 0.00002; ExAC 0.00003.

Submissions (3):

Labcorp Genetics (formerly Invitae), Labcorp
Classification: Likely benign for X-linked distal spinal muscular atrophy type 3; Cutis laxa, X-linked; Menkes kinky-hair syndrome. Last evaluated: 2025-11-10. Review status: criteria provided, single submitter. Criteria: Invitae Variant Classification Sherloc (09022015). Collection method: clinical testing. Allele origin: germline.

GeneDx
Classification: Uncertain significance. Last evaluated: 2019-07-12. Review status: criteria provided, single submitter. Criteria: GeneDx Variant Classification Process June 2021. Collection method: clinical testing. Allele origin: germline. Affected: yes.
Comment: Has not been previously published as pathogenic or benign to our knowledge; Observed in 0.0017% (3/178516) of global alleles, including one hemizygous individual, in large population cohorts (Lek et al., 2016); Reported in ClinVar as a variant of uncertain significance (ClinVar Variant ID# 425507; Landrum et al., 2016); In silico analysis, which includes protein predictors and evolutionary conservation, supports that this variant does not alter protein structure/function

CeGaT Center for Human Genetics Tuebingen
Classification: Uncertain significance. Last evaluated: 2016-09-01. Review status: criteria provided, single submitter. Criteria: CeGaT Center For Human Genetics Tuebingen Variant Classification Criteria Version 2. Collection method: clinical testing. Allele origin: germline. Affected: yes. Observed: 1 variant allele.